The following is an entry in ClinVar:

NM_004369.4(COL6A3):c.4308C>G (p.Asp1436Glu)

Gene: COL6A3 (collagen type VI alpha 3 chain; minus strand). Cytogenetic location: 2q37.3.
Variant type: single nucleotide variant.
Coding change: c.4308C>G on transcript NM_004369.4 (MANE Select); coding-DNA position 4308, C replaced by G.
Protein change: p.Asp1436Glu; replaces aspartic acid 1436 with glutamic acid.
Molecular consequence: missense variant.
Genome position (GRCh38, 1-based): chr2:237,369,155, G>C on the plus strand (C>G on the coding strand, the complement: COL6A3 is on the minus strand). VCF-style: chr2-237369155-G-C. GRCh37 (hg19) VCF-style: chr2-238277798-G-C.
Other names: c.2487C>G, p.Asp829Glu (NM_057166.5); c.3690C>G, p.Asp1230Glu (NM_057167.4); short protein forms D1230E, D829E, D1436E.
Identifiers: ClinVar variation 1360772 (VCV001360772.8), dbSNP rs775286217, ClinGen allele CA351193801.

ClinVar aggregate classification (germline): Uncertain significance (1 of 4 stars; one submission).

Conditions:
Bethlem myopathy 1A. Also called: MYOPATHY, BENIGN CONGENITAL, WITH CONTRACTURES; Bethlem Muscular Dystrophy; Bethlem myopathy 1. Identifiers: Orphanet 610, MedGen CN029274, MONDO:0024530, OMIM 158810.

gnomAD v4.1: 11 of 1,612,388 alleles (0.00068%); highest among the groups gnomAD compares: Non-Finnish European, 0.00085%; no homozygotes.

Submission:

Labcorp Genetics (formerly Invitae), Labcorp
Classification: Uncertain significance for Bethlem myopathy 1A. Last evaluated: 2020-12-25. Review status: criteria provided, single submitter. Criteria: Invitae Variant Classification Sherloc (09022015). Collection method: clinical testing. Allele origin: germline.
Comment: Algorithms developed to predict the effect of missense changes on protein structure and function are either unavailable or do not agree on the potential impact of this missense change (SIFT: "Tolerated"; PolyPhen-2: "Probably Damaging"; Align-GVGD: "Class C0"). This variant has not been reported in the literature in individuals with COL6A3-related conditions. This variant is not present in population databases (ExAC no frequency). This sequence change replaces aspartic acid with glutamic acid at codon 1436 of the COL6A3 protein (p.Asp1436Glu). The aspartic acid residue is highly conserved and there is a small physicochemical difference between aspartic acid and glutamic acid. In summary, the available evidence is currently insufficient to determine the role of this variant in disease. Therefore, it has been classified as a Variant of Uncertain Significance.